The following is an entry in ClinVar:

NM_003998.4(NFKB1):c.407+2T>G

Gene: NFKB1 (nuclear factor kappa B subunit 1; plus strand). Cytogenetic location: 4q24.
Variant type: single nucleotide variant.
Coding change: c.407+2T>G on transcript NM_003998.4 (MANE Select); the canonical splice donor site of the intron after coding-DNA position 407, T replaced by G.
Molecular consequence: splice donor variant.
Genome position (GRCh38, 1-based): chr4:102,567,137, T>G. VCF-style: chr4-102567137-T-G. GRCh37 (hg19) VCF-style: chr4-103488294-T-G.
Other names: c.407+2T>G (NM_001382626.1, NM_001382625.1); c.404+2T>G (NM_001382627.1, NM_001165412.2, NM_001319226.2); c.365+2T>G (NM_001382628.1).
Identifiers: ClinVar variation 1685980 (VCV001685980.3), dbSNP rs2149168346, ClinGen allele CA357959030.

ClinVar aggregate classification (germline): Pathogenic/Likely pathogenic. Review status: criteria provided, multiple submitters, no conflicts (2 of 4 stars). 2 submissions from 2 submitters: Pathogenic (1); Likely pathogenic (1). Last evaluated 2025-09-13.

Conditions:
Immunodeficiency, common variable, 12 (CVID12). Also called: IMMUNODEFICIENCY, COMMON VARIABLE, 12, WITH AUTOIMMUNITY; NFKB1 DEFICIENCY. Identifiers: Orphanet 1572, Orphanet 696874, MedGen C4225277, MONDO:0014697, OMIM 616576.

Submissions (2):

Labcorp Genetics (formerly Invitae), Labcorp
Classification: Likely pathogenic. Last evaluated: 2025-09-13. Review status: criteria provided, single submitter. Criteria: Invitae Variant Classification Sherloc (09022015). Collection method: clinical testing. Allele origin: germline.
Comment: This sequence change affects a donor splice site in intron 6 of the NFKB1 gene. It is expected to disrupt RNA splicing. Variants that disrupt the donor or acceptor splice site typically lead to a loss of protein function (PMID: 16199547), and loss-of-function variants in NFKB1 are known to be pathogenic (PMID: 26279205, 29477724). This variant is not present in population databases (gnomAD no frequency). This variant has not been reported in the literature in individuals affected with NFKB1-related conditions. ClinVar contains an entry for this variant (Variation ID: 1685980). Algorithms developed to predict the effect of sequence changes on RNA splicing suggest that this variant may disrupt the consensus splice site. In summary, the currently available evidence indicates that the variant is pathogenic, but additional data are needed to prove that conclusively. Therefore, this variant has been classified as Likely Pathogenic.

Mendelics
Classification: Pathogenic for Immunodeficiency, common variable, 12. Last evaluated: 2022-05-04. Review status: criteria provided, single submitter. Criteria: Mendelics Assertion Criteria 2019. Collection method: clinical testing. Allele origin: germline.

Literature cited by the submitters: PubMed 16199547 (cited by Labcorp Genetics (formerly Invitae), Labcorp); PubMed 26279205 (cited by Labcorp Genetics (formerly Invitae), Labcorp); PubMed 29477724 (cited by Labcorp Genetics (formerly Invitae), Labcorp).